The following is an entry in ClinVar:

NM_000016.6(ACADM):c.127G>A (p.Glu43Lys)

Gene: ACADM (acyl-CoA dehydrogenase medium chain; plus strand). Cytogenetic location: 1p31.1.
Variant type: single nucleotide variant.
Coding change: c.127G>A on transcript NM_000016.6 (MANE Select); coding-DNA position 127, G replaced by A.
Protein change: p.Glu43Lys; replaces glutamic acid 43 with lysine.
Molecular consequence: missense variant. On other transcripts: 5 prime UTR variant (1).
Genome position (GRCh38, 1-based): chr1:75,732,652, G>A. VCF-style: chr1-75732652-G-A. GRCh37 (hg19) VCF-style: chr1-76198337-G-A.
Other names: c.139G>A, p.Glu47Lys (NM_001127328.3); c.19G>A, p.Glu7Lys (NM_001286042.2); c.127G>A, p.Glu43Lys (NM_001286043.2); c.-259G>A (NM_001286044.2); short protein forms E43K, E47K, E7K.
Identifiers: ClinVar variation 92257 (VCV000092257.75), dbSNP rs147559466, ClinGen allele CA220170.

ClinVar aggregate classification (germline): Conflicting classifications of pathogenicity. Review status: criteria provided, conflicting classifications (1 of 4 stars). 19 submissions from 19 submitters: Pathogenic (5); Likely pathogenic (1); Uncertain significance (11); Likely benign (2). Last evaluated 2026-07-29.

Conditions:
ACADM-related disorder. Also called: ACADM-related condition.
Inborn genetic diseases. Identifiers: MedGen C0950123, MeSH D030342.
Medium-chain acyl-coenzyme A dehydrogenase deficiency (ACADMD). Also called: MCAD Deficiency; MCADH DEFICIENCY; MCADD; Medium chain acyl-CoA dehydrogenase deficiency; ACADM DEFICIENCY; CARNITINE DEFICIENCY SECONDARY TO MEDIUM-CHAIN ACYL-CoA DEHYDROGENASE DEFICIENCY. Identifiers: Orphanet 42, MedGen C0220710, MONDO:0008721, OMIM 201450.

Allele frequency attached by ClinVar (database versions not stated): ESP Exome Variant Server 0.00246; TOPMed 0.00165; 1000 Genomes Project 30x 0.00172; 1000 Genomes Project 0.00200; ExAC 0.00225; gnomAD 0.00210; gnomAD exomes 0.00206 and 0.00246.

Submissions 1 to 9 of 19:

PreventionGenetics, part of Exact Sciences
Classification: Uncertain significance for ACADM-related condition. Last evaluated: 2026-07-29. Review status: criteria provided, single submitter. Criteria: ACMG Guidelines, 2015. Collection method: clinical testing. Allele origin: germline.
Comment: The ACADM c.127G>A variant is predicted to result in the amino acid substitution p.Glu43Lys. This variant is alternatively referred to as Glu18Lys using legacy nomenclature. The c.127G>A variant has been reported in a large population database at an allele frequency of up to 0.44%, which is relatively high for a pathogenic variant. In gnomAD v4 (available only on GRCh38), this variant is reported in 0.27% of alleles in the European (non-Finnish) subpopulation, including 5 homozygotes. This variant has also been reported in multiple patients with suspected medium chain acyl-CoA dehydrogenase deficiency (MCADD), though it is unclear whether the c.127G>A variant causes a mild biochemical phenotype or is an innocuous, benign variant (see for example, McKinney et al 2004. PubMed ID: 15171998; Garber et al. 2016. PubMed ID: 27843123; Tucci et al. 2021. PubMed ID: 33580884). The variant has been observed in trans with the common c.985A>G (p.Lys329Glu) variant in multiple patients with mildly abnormal acylcarnitine profiles that are biochemically indistinguishable from MCADD carriers (Smith et al. 2010. PubMed ID: 20434380), although it should be noted that the c.985A>G variant in the heterozygous state alone may lead to a false positive newborn screen suggestive of MCADD (Merritt and Chang. 2019. PubMed ID: 20301597). At PreventionGenetics, we have observed the c.127G>A variant internally in approximately a dozen individuals with suspected MCADD, many identified based only on abnormal newborn screen results, and only one of these individuals had additional biochemical results consistent with being affected with the disorder. Many individuals were found to be heterozygous for both the c.127G>A variant and the common c.985A>G variant, but in most of these patients, phase was unknown. Experimental studies suggest that this variant has minimal impact on ACADM function (Sturm et al. 2012. PubMed ID: 23028790; Koster. 2014. PubMed ID: 24966162). The c.127G>A variant has conflicting classifications listed in ClinVar ranging from likely benign to pathogenic (Variation ID: 92257). In summary, the clinical significance of this variant is currently uncertain due to insufficient functional and genetic evidence.

CeGaT Center for Human Genetics Tuebingen
Classification: Pathogenic. Last evaluated: 2026-06-01. Review status: criteria provided, single submitter. Criteria: CeGaT Center For Human Genetics Tuebingen Variant Classification Criteria Version 2. Collection method: clinical testing. Allele origin: germline. Affected: yes. Observed: 9 variant alleles.
Comment: ACADM: PM3:Very Strong, PP4:Moderate, PM2:Supporting

Women's Health and Genetics/Laboratory Corporation of America, LabCorp
Classification: Uncertain significance. Last evaluated: 2026-03-09. Review status: criteria provided, single submitter. Criteria: LabCorp Variant Classification Summary - May 2015. Collection method: clinical testing. Allele origin: germline.
Comment: Variant summary: ACADM c.127G>A (p.Glu43Lys) results in a conservative amino acid change in the encoded protein sequence. Algorithms developed to predict the effect of missense changes on protein structure and function are either unavailable or do not agree on the potential impact of this missense change. The variant allele was found at a frequency of 0.0024 in 1613494 control chromosomes, predominantly at a frequency of 0.0046 within the Non-Finnish European subpopulation in the gnomAD database, including 5 homozygotes. This frequency is not significantly higher than estimated for disease-causing variants in ACADM, allowing no conclusion about variant significance. c.127G>A has been reported in several subjects during newborn screening programs in the compound heterozygous state in at least 1 individual with clinical features of MCAD deficiency (example, Bouvier_2017), but mostly with another pathogenic variant c.985A>G either NBS positive or with suspicion of MCAD based on biochemical parameters (e.g. Smith_2010, Sturm_2012, Catarzi_2013, Navarrete_ 2019, Jager_ 2019, Anderson_ 2019, Alcaide_2022, Cook_2024). However, most were biochemically indistinguishable from MCAD carriers, suggesting this variant is likely innocuous. In addition, an asymptomatic father of a homozygous MCAD deficient child was compound heterozygous for a pathogenic variant (Sturm_2012). Enzymatic measurement in lymphocytes from a subject who was compound heterozygous for this variant and c.985A>G showed 56% of normal activity, clearly in the range of proven heterozygotes that do not have a risk of symptomatic disease, unless in a situation of possible synergistic heterozygosity (Sturm_2012). A functional study (Koster_2014) showed the variant was comparable to WT in specificity to substrates C8-CoA and C12-CoA, and had ~60% of WT level of specificity to substrate C10-CoA, and the residual activity of the variant was improved by co-overexpression with molecular chaperones, with the variant showing >100% of WT activity. The following publications have been ascertained in the context of this evaluation (PMID: 35629059, 31836396, 24294134, 38146699, 38941880, 27843123, 31012112, 24966162, 15171998, 30626930, 20434380, 38532509, 23028790, 24517888, 29545352, 22166308, 22494076, 23757202, 18836889, 32778825, 35281663, 39425040, 33580884, 22542437, 38103157, 27760515, 25940036, 30239619, 16291504, 34426522, 20036593, 34449524, 22995991, 23829193, 18241067, 25087612, 30977266, 18450854, 16763904, 27943070, 27477829, 35460704). ClinVar contains an entry for this variant (Variation ID: 92257). Based on the evidence outlined above, the variant was classified as VUS-possibly pathogenic.

Ambry Genetics
Classification: Uncertain significance for Inborn genetic diseases. Last evaluated: 2026-01-14. Review status: criteria provided, single submitter. Criteria: Ambry Variant Classification Scheme 2023. Collection method: clinical testing. Allele origin: germline.
Comment: The c.127G>A (p.E43K) alteration is located in exon 3 (coding exon 3) of the ACADM gene. This alteration results from a G to A substitution at nucleotide position 127, causing the glutamic acid (E) at amino acid position 43 to be replaced by a lysine (K). Based on data from gnomAD, the frequency for this variant is above the maximum credible frequency for a disease-causing variant in this gene based on internally established thresholds (Karczewski, 2020; Whiffin, 2017). This variant has been identified in the homozygous state and/or in conjunction with other ACADM variant(s) in individual(s) with features consistent with medium chain acyl-CoA dehydrogenase deficiency (Cook, 2024; Alcaide, 2022; Bouvier, 2017; Garber, 2016). This amino acid position is well conserved in available vertebrate species. Functional studies suggest a mild defect in enzyme activity in vitro; however, additional evidence is needed to confirm this finding (Koster, 2014). This alteration is predicted to be deleterious by in silico analysis. Based on insufficient or conflicting evidence, the clinical significance of this alteration remains unclear.

Mayo Clinic Laboratories, Mayo Clinic
Classification: Likely pathogenic. Last evaluated: 2025-06-09. Review status: criteria provided, single submitter. Criteria: ACMG Guidelines, 2015. Collection method: clinical testing. Allele origin: germline. Observed: 8 variant alleles.

Laboratory of Genetics, Children's Clinical University Hospital Latvia
Classification: Pathogenic. Last evaluated: 2025-02-16. Review status: criteria provided, single submitter. Criteria: ACMG Guidelines, 2015. Collection method: clinical testing. Allele origin: germline. Affected: yes.

Blueprint Genetics
Classification: Uncertain significance. Last evaluated: 2024-11-22. Review status: criteria provided, single submitter. Criteria: ACMG Guidelines, 2015. Collection method: clinical testing. Allele origin: germline.

Department of Genetics of Metabolic Diseases, Institute of Medical & Molecular Genetics, Hospital Universitario Hospital La Paz
Classification: Pathogenic for Medium-chain acyl-coenzyme A dehydrogenase deficiency. Last evaluated: 2024-09-01. Review status: criteria provided, single submitter. Criteria: ACMG Guidelines, 2015. Collection method: clinical testing. Allele origin: germline. Inheritance: Autosomal recessive inheritance. Affected: yes.
Comment: The variant NM_000016.5:c.127G>A p.(Gly267Arg) in ACADM is present in gnomAD with an allele frequency of 0.2102% and two homozygotes reported. It has been reported in multiple compound heterozygous individuals with C8 levels consistent with MCADD (PMID: 23028790,35629059, Hidalgo Mayoral I et al., in press). Functional studies in fibroblasts confirm this variant reduces MCAD´s activity up to 15-40% (PMID: 23028790), and thus it is consider a mild variant.

Department of Pathology and Laboratory Medicine, Sinai Health System
Classification: Uncertain significance for medium chain acyl-CoA dehydrogenase deficiency. Last evaluated: 2023-12-04. Review status: criteria provided, single submitter. Criteria: ACMG Guidelines, 2015. Collection method: research. Allele origin: germline.